The following is an entry in ClinVar:

NM_000245.4(MET):c.208A>G (p.Ile70Val)

Gene: MET (MET proto-oncogene, receptor tyrosine kinase; plus strand). Cytogenetic location: 7q31.2.
Variant type: single nucleotide variant.
Coding change: c.208A>G on transcript NM_000245.4 (MANE Select); coding-DNA position 208, A replaced by G.
Protein change: p.Ile70Val; replaces isoleucine 70 with valine.
Molecular consequence: missense variant. On other transcripts: intron variant (1).
Genome position (GRCh38, 1-based): chr7:116,699,292, A>G. VCF-style: chr7-116699292-A-G. GRCh37 (hg19) VCF-style: chr7-116339346-A-G.
Other names: c.208A>G, p.Ile70Val (NM_001127500.3, NM_001324401.3); c.-91+26715A>G (NM_001324402.2); short protein forms I70V.
Identifiers: ClinVar variation 1477105 (VCV001477105.11), dbSNP rs2116582927, ClinGen allele CA368968568.

ClinVar aggregate classification (germline): Conflicting classifications of pathogenicity. Review status: criteria provided, conflicting classifications (1 of 4 stars). 2 submissions from 2 submitters: Uncertain significance (1); Likely benign (1). Last evaluated 2026-07-30.

Conditions:
Renal cell carcinoma. Identifiers: Orphanet 217071, MedGen C0007134, MeSH D002292, MONDO:0005086, HP:0005584.
Hereditary cancer-predisposing syndrome. Also called: Hereditary Cancer Syndrome; Tumor predisposition; Neoplastic Syndromes, Hereditary; Hereditary neoplastic syndrome. Identifiers: Orphanet 140162, MedGen C0027672, MeSH D009386, MONDO:0015356.

gnomAD v4.1: 1 of 1,614,000 alleles (0.000062%); highest among the groups gnomAD compares: African/African-American, 0.0013%; no homozygotes.

Submissions (2):

Ambry Genetics
Classification: Likely benign for Hereditary cancer-predisposing syndrome. Last evaluated: 2026-07-30. Review status: criteria provided, single submitter. Criteria: Ambry Variant Classification Scheme 2023. Collection method: clinical testing. Allele origin: germline.

Labcorp Genetics (formerly Invitae), Labcorp
Classification: Uncertain significance for Renal cell carcinoma. Last evaluated: 2021-04-16. Review status: criteria provided, single submitter. Criteria: Invitae Variant Classification Sherloc (09022015). Collection method: clinical testing. Allele origin: germline.
Comment: In summary, the available evidence is currently insufficient to determine the role of this variant in disease. Therefore, it has been classified as a Variant of Uncertain Significance. Algorithms developed to predict the effect of missense changes on protein structure and function (SIFT, PolyPhen-2, Align-GVGD) all suggest that this variant is likely to be tolerated, but these predictions have not been confirmed by published functional studies and their clinical significance is uncertain. This variant has not been reported in the literature in individuals with MET-related conditions. This variant is not present in population databases (ExAC no frequency). This sequence change replaces isoleucine with valine at codon 70 of the MET protein (p.Ile70Val). The isoleucine residue is moderately conserved and there is a small physicochemical difference between isoleucine and valine.